The following is an entry in ClinVar:

ClinVar aggregate classification (germline): Uncertain significance (1 of 4 stars; one submission).

Submission:

GeneDx
Classification: Uncertain significance. Last evaluated: 2023-05-19. Review status: criteria provided, single submitter. Criteria: GeneDx Variant Classification Process June 2021. Collection method: clinical testing. Allele origin: germline. Affected: yes.
Comment: Not observed at significant frequency in large population cohorts (gnomAD); In silico analysis supports that this missense variant has a deleterious effect on protein structure/function; Has not been previously published as pathogenic or benign to our knowledge

NM_001379110.1(SLC9A6):c.1796C>T (p.Ser599Phe)

Gene: SLC9A6 (solute carrier family 9 member A6; plus strand). Cytogenetic location: Xq26.3.
Variant type: single nucleotide variant.
Coding change: c.1796C>T on transcript NM_001379110.1 (MANE Select); coding-DNA position 1796, C replaced by T.
Protein change: p.Ser599Phe; replaces serine 599 with phenylalanine.
Molecular consequence: missense variant.
Genome position (GRCh38, 1-based): chrX:136,044,480, C>T. VCF-style: chrX-136044480-C-T. GRCh37 (hg19) VCF-style: chrX-135126639-C-T.
Other names: c.1862C>T, p.Ser621Phe (NM_001042537.2); c.1706C>T, p.Ser569Phe (NM_001177651.2, NM_001400909.1, NM_001400910.1 and 2 more transcripts); c.1610C>T, p.Ser537Phe (NM_001330652.2, NM_001400913.1); c.1766C>T, p.Ser589Phe (NM_006359.3); short protein forms S537F, S569F, S589F, S599F, S621F.
Identifiers: ClinVar variation 3343616 (VCV003343616.1).